The following is an entry in ClinVar:

ClinVar aggregate classification (germline): Uncertain significance (1 of 4 stars; one submission).

Conditions:
Emery-Dreifuss muscular dystrophy 5, autosomal dominant (EDMD5). Also called: EMERY-DREIFUSS MUSCULAR DYSTROPHY 5. Identifiers: Orphanet 261, MedGen C2751805, MONDO:0013072, OMIM 612999.

Submission:

Labcorp Genetics (formerly Invitae), Labcorp
Classification: Uncertain significance for Emery-Dreifuss muscular dystrophy 5, autosomal dominant. Last evaluated: 2022-06-05. Review status: criteria provided, single submitter. Criteria: Invitae Variant Classification Sherloc (09022015). Collection method: clinical testing. Allele origin: germline.
Comment: This sequence change replaces aspartic acid, which is acidic and polar, with histidine, which is basic and polar, at codon 1158 of the SYNE2 protein (p.Asp1158His). This variant is not present in population databases (gnomAD no frequency). This variant has not been reported in the literature in individuals affected with SYNE2-related conditions. ClinVar contains an entry for this variant (Variation ID: 1374268). Algorithms developed to predict the effect of missense changes on protein structure and function are either unavailable or do not agree on the potential impact of this missense change (SIFT: "Deleterious"; PolyPhen-2: "Probably Damaging"; Align-GVGD: "Class C0"). In summary, the available evidence is currently insufficient to determine the role of this variant in disease. Therefore, it has been classified as a Variant of Uncertain Significance.

NM_182914.3(SYNE2):c.3472G>C (p.Asp1158His)

Gene: SYNE2 (spectrin repeat containing nuclear envelope protein 2; plus strand). Cytogenetic location: 14q23.2.
Variant type: single nucleotide variant.
Coding change: c.3472G>C on transcript NM_182914.3 (MANE Select); coding-DNA position 3472, G replaced by C.
Protein change: p.Asp1158His; replaces aspartic acid 1158 with histidine.
Molecular consequence: missense variant.
Genome position (GRCh38, 1-based): chr14:63,999,032, G>C. VCF-style: chr14-63999032-G-C. GRCh37 (hg19) VCF-style: chr14-64465750-G-C.
Other names: c.3472G>C, p.Asp1158His (NM_015180.6); short protein forms D1158H.
Identifiers: ClinVar variation 1374268 (VCV001374268.6), dbSNP rs750773485, ClinGen allele CA261844453.